The following is an entry in ClinVar:

ClinVar aggregate classification (germline): Uncertain significance (1 of 4 stars; one submission).

Conditions:
Inborn genetic diseases. Identifiers: MedGen C0950123, MeSH D030342.

gnomAD v4.1: 34 of 1,613,896 alleles (0.0021%); highest among the groups gnomAD compares: Non-Finnish European, 0.0027%; no homozygotes.

Submission:

Ambry Genetics
Classification: Uncertain significance for Inborn genetic diseases. Last evaluated: 2026-07-08. Review status: criteria provided, single submitter. Criteria: Ambry Variant Classification Scheme 2023. Collection method: clinical testing. Allele origin: germline.
Comment: The c.2677G>C (p.G893R) alteration is located in exon 16 (coding exon 16) of the FHOD3 gene. This alteration results from a G to C substitution at nucleotide position 2677, causing the glycine (G) at amino acid position 893 to be replaced by an arginine (R). Based on data from gnomAD, the C allele has an overall frequency of 0.001% (2/251260) total alleles studied. The highest observed frequency was 0.006% (1/16226) of African alleles. Based on insufficient or conflicting evidence, the clinical significance of this alteration remains unclear.

NM_001281740.3(FHOD3):c.3202G>C (p.Gly1068Arg)

Gene: FHOD3 (formin homology 2 domain containing 3; plus strand). Cytogenetic location: 18q12.2.
Variant type: single nucleotide variant.
Coding change: c.3202G>C on transcript NM_001281740.3 (MANE Select); coding-DNA position 3202, G replaced by C.
Protein change: p.Gly1068Arg; replaces glycine 1068 with arginine.
Molecular consequence: missense variant.
Genome position (GRCh38, 1-based): chr18:36,718,500, G>C. VCF-style: chr18-36718500-G-C. GRCh37 (hg19) VCF-style: chr18-34298463-G-C.
Other names: c.2626G>C, p.Gly876Arg (NM_001281739.3); c.2677G>C, p.Gly893Arg (NM_025135.5); short protein forms G1068R, G876R, G893R.
Identifiers: ClinVar variation 5021799 (VCV005021799.1).